The following is an entry in ClinVar:

NM_030962.4(SBF2):c.5010C>G (p.Asp1670Glu)

Genes: SBF2 (SET binding factor 2; minus strand), SBF2-AS1 (SBF2 antisense RNA 1; plus strand), LOC105369149 (uncharacterized LOC105369149; plus strand). Cytogenetic location: 11p15.4.
Variant type: single nucleotide variant.
Coding change: c.5010C>G on transcript NM_030962.4 (MANE Select); coding-DNA position 5010, C replaced by G.
Protein change: p.Asp1670Glu; replaces aspartic acid 1670 with glutamic acid.
Molecular consequence: missense variant.
Genome position (GRCh38, 1-based): chr11:9,787,661, G>C on the plus strand (C>G on the coding strand, the complement: SBF2 is on the minus strand). VCF-style: chr11-9787661-G-C. GRCh37 (hg19) VCF-style: chr11-9809208-G-C.
Other names: c.5106C>G, p.Asp1702Glu (NM_001386339.1); c.4881C>G, p.Asp1627Glu (NM_001386342.1); short protein forms D1670E, D1627E, D1702E.
Identifiers: ClinVar variation 839181 (VCV000839181.9), dbSNP rs142672124, ClinGen allele CA5880841.
Genomic context (GRCh38, chr11:9,787,661, plus strand): 5'-AGAAGTGGCTCTCAAGGGGCATTGCCAACTCACGCGATCTGTTCTTGGTTCTTCTTTAAG[G>C]TCCACGGTTACCCTTTCCCACAGCTGCTGCCACTTCTCAGGGGCTTGGTTCAATTTGTGC-3'
Protein context (NP_112224.1, residues 1660-1680): WQQLWERVTV[Asp1670Glu]LKEEPRTDRS

ClinVar aggregate classification (germline): Uncertain significance. Review status: criteria provided, multiple submitters, no conflicts (2 of 4 stars). 3 submissions from 3 submitters: Uncertain significance (3). Last evaluated 2025-08-20.

Conditions:
Charcot-Marie-Tooth disease type 4. Also called: Charcot-Marie-Tooth, Type 4; Charcot-Marie-Tooth disease, type IV. Identifiers: Orphanet 64749, MedGen C4082197, MONDO:0018995.
Inborn genetic diseases. Identifiers: MedGen C0950123, MeSH D030342.

Allele frequency attached by ClinVar (database versions not stated): 1000 Genomes Project 0.00060; ExAC 0.00003; gnomAD exomes 0.00003; gnomAD 0.00013 and 0.00014; ESP Exome Variant Server 0.00015; TOPMed 0.00016; 1000 Genomes Project 30x 0.00047.
gnomAD v4.1: 37 of 1,614,168 alleles (0.0023%); highest among the groups gnomAD compares: African/African-American, 0.028%; no homozygotes.

Submissions (3):

Ambry Genetics
Classification: Uncertain significance for Inborn genetic diseases. Last evaluated: 2025-08-20. Review status: criteria provided, single submitter. Criteria: Ambry Variant Classification Scheme 2023. Collection method: clinical testing. Allele origin: germline.

GeneDx
Classification: Uncertain significance. Last evaluated: 2024-09-17. Review status: criteria provided, single submitter. Criteria: GeneDx Variant Classification Process June 2021. Collection method: clinical testing. Allele origin: germline. Affected: yes.
Comment: In silico analysis indicates that this missense variant does not alter protein structure/function; Has not been previously published as pathogenic or benign to our knowledge

Labcorp Genetics (formerly Invitae), Labcorp
Classification: Uncertain significance for Charcot-Marie-Tooth disease type 4. Last evaluated: 2022-02-10. Review status: criteria provided, single submitter. Criteria: Invitae Variant Classification Sherloc (09022015). Collection method: clinical testing. Allele origin: germline.
Comment: This sequence change replaces aspartic acid, which is acidic and polar, with glutamic acid, which is acidic and polar, at codon 1670 of the SBF2 protein (p.Asp1670Glu). This variant is present in population databases (rs142672124, gnomAD 0.03%). This variant has not been reported in the literature in individuals affected with SBF2-related conditions. ClinVar contains an entry for this variant (Variation ID: 839181). Algorithms developed to predict the effect of missense changes on protein structure and function (SIFT, PolyPhen-2, Align-GVGD) all suggest that this variant is likely to be tolerated. In summary, the available evidence is currently insufficient to determine the role of this variant in disease. Therefore, it has been classified as a Variant of Uncertain Significance.